The following is an entry in ClinVar:

ClinVar aggregate classification (germline): Uncertain significance. Review status: criteria provided, single submitter (1 of 4 stars). 2 submissions from 2 submitters: Uncertain significance (1). 1 of the submissions does not count toward it. Last evaluated 2024-10-23.

Conditions:
Retinitis pigmentosa 9 (RP9). Identifiers: Orphanet 791, MedGen C1867300, MONDO:0008378, OMIM 180104.

Submissions (2):

Labcorp Genetics (formerly Invitae), Labcorp
Classification: Uncertain significance. Last evaluated: 2024-10-23. Review status: criteria provided, single submitter. Criteria: Invitae Variant Classification Sherloc (09022015). Collection method: clinical testing. Allele origin: germline.
Comment: This sequence change replaces histidine, which is basic and polar, with leucine, which is neutral and non-polar, at codon 137 of the RP9 protein (p.His137Leu). This variant is not present in population databases (gnomAD no frequency). This missense change has been observed in individual(s) with retinitis pigmentosa (PMID: 12032732, 21347327). ClinVar contains an entry for this variant (Variation ID: 3334). An algorithm developed to predict the effect of missense changes on protein structure and function (PolyPhen-2) suggests that this variant is likely to be tolerated. In summary, the available evidence is currently insufficient to determine the role of this variant in disease. Therefore, it has been classified as a Variant of Uncertain Significance.

OMIM
Classification: Uncertain significance for RECLASSIFIED - VARIANT OF UNKNOWN SIGNIFICANCE. Last evaluated: 2006-07-01. Review status: no assertion criteria provided. Collection method: literature only. Allele origin: germline. Not counted in ClinVar's aggregate classification.

Literature cited by the submitters: PubMed 12032732 (cited by Labcorp Genetics (formerly Invitae), Labcorp and OMIM); PubMed 21347327 (cited by Labcorp Genetics (formerly Invitae), Labcorp); PubMed 15474994 (cited by OMIM); PubMed 16799052 (cited by OMIM); PubMed 1479605 (cited by OMIM); PubMed 8513323 (cited by OMIM); PubMed 8025041 (cited by OMIM).

NM_203288.2(RP9):c.410A>T (p.His137Leu)

Gene: RP9 (RP9 pre-mRNA splicing factor; minus strand). Cytogenetic location: 7p14.3.
Variant type: single nucleotide variant.
Coding change: c.410A>T on transcript NM_203288.2 (MANE Select); coding-DNA position 410, A replaced by T.
Protein change: p.His137Leu; replaces histidine 137 with leucine.
Molecular consequence: missense variant.
Genome position (GRCh38, 1-based): chr7:33,096,550, T>A on the plus strand (A>T on the coding strand, the complement: RP9 is on the minus strand). VCF-style: chr7-33096550-T-A. GRCh37 (hg19) VCF-style: chr7-33136162-T-A.
Other names: short protein forms H137L.
Identifiers: ClinVar variation 3334 (VCV000003334.3), dbSNP rs104894037, ClinGen allele CA252734.